The following is an entry in ClinVar:

ClinVar aggregate classification (germline): Uncertain significance (1 of 4 stars; one submission).

Conditions:
Joubert syndrome. Also called: CEREBELLOPARENCHYMAL DISORDER IV; JOUBERT-BOLTSHAUSER SYNDROME; Familial aplasia of the vermis. Identifiers: Orphanet 475, MedGen C5979921, MONDO:0018772.
Orofaciodigital syndrome I (OFD1). Also called: OFDS I; Papillon-Leage and Psaume Syndrome; Oral-Facial-Digital Syndrome Type I. Identifiers: Orphanet 2750, MedGen C1510460, MONDO:0010702, OMIM 311200.

Allele frequency attached by ClinVar (database versions not stated): TOPMed 0.00001.

Submission:

Labcorp Genetics (formerly Invitae), Labcorp
Classification: Uncertain significance for Orofaciodigital syndrome I; Joubert syndrome. Last evaluated: 2022-02-02. Review status: criteria provided, single submitter. Criteria: Invitae Variant Classification Sherloc (09022015). Collection method: clinical testing. Allele origin: germline.
Comment: This variant is not present in population databases (gnomAD no frequency). This sequence change replaces glutamine, which is neutral and polar, with glutamic acid, which is acidic and polar, at codon 971 of the OFD1 protein (p.Gln971Glu). This variant has not been reported in the literature in individuals affected with OFD1-related conditions. In summary, the available evidence is currently insufficient to determine the role of this variant in disease. Therefore, it has been classified as a Variant of Uncertain Significance. Algorithms developed to predict the effect of missense changes on protein structure and function output the following: SIFT: "Tolerated"; PolyPhen-2: "Benign"; Align-GVGD: "Class C0". The glutamic acid amino acid residue is found in multiple mammalian species, which suggests that this missense change does not adversely affect protein function.

NM_003611.3(OFD1):c.2911C>G (p.Gln971Glu)

Gene: OFD1 (OFD1 centriole and centriolar satellite protein; plus strand). Cytogenetic location: Xp22.2.
Variant type: single nucleotide variant.
Coding change: c.2911C>G on transcript NM_003611.3 (MANE Select); coding-DNA position 2911, C replaced by G.
Protein change: p.Gln971Glu; replaces glutamine 971 with glutamic acid.
Molecular consequence: missense variant.
Genome position (GRCh38, 1-based): chrX:13,768,207, C>G. VCF-style: chrX-13768207-C-G. GRCh37 (hg19) VCF-style: chrX-13786326-C-G.
Other names: c.2791C>G, p.Gln931Glu (NM_001330209.2); c.2491C>G, p.Gln831Glu (NM_001330210.2); short protein forms Q971E, Q831E, Q931E.
Identifiers: ClinVar variation 1379092 (VCV001379092.8), dbSNP rs1274499805, ClinGen allele CA412313955.